The following is an entry in ClinVar:

NM_000179.3(MSH6):c.3968T>A (p.Phe1323Tyr)

Gene: MSH6 (mutS homolog 6; plus strand). Cytogenetic location: 2p16.3.
Variant type: single nucleotide variant.
Coding change: c.3968T>A on transcript NM_000179.3 (MANE Select); coding-DNA position 3968, T replaced by A.
Protein change: p.Phe1323Tyr; replaces phenylalanine 1323 with tyrosine.
Molecular consequence: missense variant.
Genome position (GRCh38, 1-based): chr2:47,806,618, T>A. VCF-style: chr2-47806618-T-A. GRCh37 (hg19) VCF-style: chr2-48033757-T-A.
Other names: c.3578T>A, p.Phe1193Tyr (NM_001281492.2); c.3062T>A, p.Phe1021Tyr (NM_001281493.2, NM_001281494.2); short protein forms F1323Y, F1193Y, F1021Y.
Identifiers: ClinVar variation 628406 (VCV000628406.15), dbSNP rs1051564593, ClinGen allele CA346761556.

ClinVar aggregate classification (germline): Uncertain significance. Review status: criteria provided, multiple submitters, no conflicts (2 of 4 stars). 3 submissions from 3 submitters: Uncertain significance (3). Last evaluated 2023-12-04.

Conditions:
Hereditary cancer-predisposing syndrome. Also called: Neoplastic Syndromes, Hereditary; Tumor predisposition; Hereditary neoplastic syndrome; Hereditary Cancer Syndrome. Identifiers: Orphanet 140162, MedGen C0027672, MeSH D009386, MONDO:0015356.
Hereditary nonpolyposis colorectal neoplasms. Identifiers: MedGen C0009405, MeSH D003123.

Submissions (3):

Color Diagnostics, LLC DBA Color Health
Classification: Uncertain significance for Hereditary cancer-predisposing syndrome. Last evaluated: 2023-12-04. Review status: criteria provided, single submitter. Criteria: ACMG Guidelines, 2015. Collection method: clinical testing. Allele origin: germline.
Comment: This missense variant replaces phenylalanine with tyrosine at codon 1323 of the MSH6 protein. Computational prediction suggests that this variant may have deleterious impact on protein structure and function (internally defined REVEL score threshold >= 0.7, PMID: 27666373). To our knowledge, functional studies have not been reported for this variant. This variant has not been reported in individuals affected with MSH6-related disorders in the literature. This variant has not been identified in the general population by the Genome Aggregation Database (gnomAD). The available evidence is insufficient to determine the role of this variant in disease conclusively. Therefore, this variant is classified as a Variant of Uncertain Significance.

Labcorp Genetics (formerly Invitae), Labcorp
Classification: Uncertain significance for Hereditary nonpolyposis colorectal neoplasms. Last evaluated: 2021-05-18. Review status: criteria provided, single submitter. Criteria: Invitae Variant Classification Sherloc (09022015). Collection method: clinical testing. Allele origin: germline.
Comment: This variant has not been reported in the literature in individuals with MSH6-related conditions. ClinVar contains an entry for this variant (Variation ID: 628406). In summary, the available evidence is currently insufficient to determine the role of this variant in disease. Therefore, it has been classified as a Variant of Uncertain Significance. Algorithms developed to predict the effect of missense changes on protein structure and function are either unavailable or do not agree on the potential impact of this missense change (SIFT: "Deleterious"; PolyPhen-2: "Probably Damaging"; Align-GVGD: "Class C0"). This variant is not present in population databases (ExAC no frequency). This sequence change replaces phenylalanine with tyrosine at codon 1323 of the MSH6 protein (p.Phe1323Tyr). The phenylalanine residue is highly conserved and there is a small physicochemical difference between phenylalanine and tyrosine.

Ambry Genetics
Classification: Uncertain significance for Hereditary cancer-predisposing syndrome. Last evaluated: 2020-03-24. Review status: criteria provided, single submitter. Criteria: Ambry Variant Classification Scheme 2023. Collection method: clinical testing. Allele origin: germline.
Comment: The p.F1323Y variant (also known as c.3968T>A), located in coding exon 9 of the MSH6 gene, results from a T to A substitution at nucleotide position 3968. The phenylalanine at codon 1323 is replaced by tyrosine, an amino acid with highly similar properties. This amino acid position is highly conserved in available vertebrate species. In addition, this alteration is predicted to be deleterious by in silico analysis. Since supporting evidence is limited at this time, the clinical significance of this alteration remains unclear.